The following is an entry in ClinVar:

NM_005559.4(LAMA1):c.6515G>A (p.Arg2172Gln)

Gene: LAMA1 (laminin subunit alpha 1; minus strand). Cytogenetic location: 18p11.31.
Variant type: single nucleotide variant.
Coding change: c.6515G>A on transcript NM_005559.4 (MANE Select); coding-DNA position 6515, G replaced by A.
Protein change: p.Arg2172Gln; replaces arginine 2172 with glutamine.
Molecular consequence: missense variant.
Genome position (GRCh38, 1-based): chr18:6,975,011, C>T on the plus strand (G>A on the coding strand, the complement: LAMA1 is on the minus strand). VCF-style: chr18-6975011-C-T. GRCh37 (hg19) VCF-style: chr18-6975010-C-T.
Other names: short protein forms R2172Q.
Identifiers: ClinVar variation 1960754 (VCV001960754.3), dbSNP rs746251281, ClinGen allele CA8881198.

ClinVar aggregate classification (germline): Uncertain significance. Review status: criteria provided, multiple submitters, no conflicts (2 of 4 stars). 2 submissions from 2 submitters: Uncertain significance (2). Last evaluated 2022-12-15.

Conditions:
Inborn genetic diseases. Identifiers: MedGen C0950123, MeSH D030342.

Allele frequency attached by ClinVar (database versions not stated): ExAC 0.00001; TOPMed 0.00001; gnomAD exomes 0.00002.
gnomAD v4.1: 31 of 1,613,946 alleles (0.0019%); highest among the groups gnomAD compares: Non-Finnish European, 0.0023%; no homozygotes.

Submissions (2):

Ambry Genetics
Classification: Uncertain significance for Inborn genetic diseases. Last evaluated: 2022-12-15. Review status: criteria provided, single submitter. Criteria: Ambry Variant Classification Scheme 2023. Collection method: clinical testing. Allele origin: germline.

Labcorp Genetics (formerly Invitae), Labcorp
Classification: Uncertain significance. Last evaluated: 2022-09-13. Review status: criteria provided, single submitter. Criteria: Invitae Variant Classification Sherloc (09022015). Collection method: clinical testing. Allele origin: germline.
Comment: This sequence change replaces arginine, which is basic and polar, with glutamine, which is neutral and polar, at codon 2172 of the LAMA1 protein (p.Arg2172Gln). This variant is present in population databases (rs746251281, gnomAD 0.003%). This variant has not been reported in the literature in individuals affected with LAMA1-related conditions. Algorithms developed to predict the effect of missense changes on protein structure and function (SIFT, PolyPhen-2, Align-GVGD) all suggest that this variant is likely to be tolerated. In summary, the available evidence is currently insufficient to determine the role of this variant in disease. Therefore, it has been classified as a Variant of Uncertain Significance.